The following is an entry in ClinVar:

NM_002048.3(GAS1):c.31G>A (p.Glu11Lys)

Gene: GAS1 (growth arrest specific 1; minus strand). Cytogenetic location: 9q21.33.
Variant type: single nucleotide variant.
Coding change: c.31G>A on transcript NM_002048.3 (MANE Select); coding-DNA position 31, G replaced by A.
Protein change: p.Glu11Lys; replaces glutamic acid 11 with lysine.
Molecular consequence: missense variant.
Genome position (GRCh38, 1-based): chr9:86,946,749, C>T on the plus strand (G>A on the coding strand, the complement: GAS1 is on the minus strand). VCF-style: chr9-86946749-C-T. GRCh37 (hg19) VCF-style: chr9-89561664-C-T.
Other names: short protein forms E11K.
Identifiers: ClinVar variation 4700114 (VCV004700114.1).

ClinVar aggregate classification (germline): Uncertain significance (1 of 4 stars; one submission).

Submission:

Labcorp Genetics (formerly Invitae), Labcorp
Classification: Uncertain significance. Last evaluated: 2025-03-31. Review status: criteria provided, single submitter. Criteria: Invitae Variant Classification Sherloc (09022015). Collection method: clinical testing. Allele origin: germline.
Comment: This sequence change replaces glutamic acid, which is acidic and polar, with lysine, which is basic and polar, at codon 11 of the GAS1 protein (p.Glu11Lys). This variant is not present in population databases (gnomAD no frequency). This variant has not been reported in the literature in individuals affected with GAS1-related conditions. Experimental studies and prediction algorithms are not available or were not evaluated, and the functional significance of this variant is currently unknown. In summary, the available evidence is currently insufficient to determine the role of this variant in disease. Therefore, it has been classified as a Variant of Uncertain Significance.